The following is an entry in ClinVar:

ClinVar aggregate classification (germline): Benign (1 of 4 stars; one submission).

Allele frequency attached by ClinVar (database versions not stated): 1000 Genomes Project 0.62680; TOPMed 0.65817; 1000 Genomes Project 30x 0.62164.
gnomAD v4.1: 100,193 of 151,934 alleles (66%); highest among the groups gnomAD compares: Non-Finnish European, 72%; 33,515 homozygotes.

Submission:

GeneDx
Classification: Benign. Last evaluated: 2018-06-18. Review status: criteria provided, single submitter. Criteria: GeneDx Variant Classification (06012015). Collection method: clinical testing. Allele origin: germline. Affected: yes.
Comment: This variant is considered likely benign or benign based on one or more of the following criteria: it is a conservative change, it occurs at a poorly conserved position in the protein, it is predicted to be benign by multiple in silico algorithms, and/or has population frequency not consistent with disease.

NM_000426.4(LAMA2):c.7452-337C>G

Gene: LAMA2 (laminin subunit alpha 2; plus strand). Cytogenetic location: 6q22.33.
Variant type: single nucleotide variant.
Coding change: c.7452-337C>G on transcript NM_000426.4 (MANE Select); 337 bases into the intron before coding-DNA position 7452, C replaced by G.
Molecular consequence: intron variant.
Genome position (GRCh38, 1-based): chr6:129,478,356, C>G. VCF-style: chr6-129478356-C-G. GRCh37 (hg19) VCF-style: chr6-129799501-C-G.
Other names: c.7440-337C>G (NM_001079823.2).
Identifiers: ClinVar variation 668917 (VCV000668917.1), dbSNP rs2784893, ClinGen allele CA12394382.